The following is an entry in ClinVar:

NM_006531.5(IFT88):c.1528G>C (p.Ala510Pro)

Gene: IFT88 (intraflagellar transport 88; plus strand). Cytogenetic location: 13q12.11.
Variant type: single nucleotide variant.
Coding change: c.1528G>C on transcript NM_006531.5 (MANE Select); coding-DNA position 1528, G replaced by C.
Protein change: p.Ala510Pro; replaces alanine 510 with proline.
Molecular consequence: missense variant. On other transcripts: non-coding transcript variant (4).
Genome position (GRCh38, 1-based): chr13:20,638,473, G>C. VCF-style: chr13-20638473-G-C. GRCh37 (hg19) VCF-style: chr13-21212612-G-C.
Other names: c.1471G>C, p.Ala491Pro (NM_001318491.2, NM_001353575.2); c.1555G>C, p.Ala519Pro (NM_001318493.2, NM_001353565.2, NM_001353566.2 and 2 more transcripts); c.1528G>C, p.Ala510Pro (NM_001353568.2, NM_001353572.2); c.1453G>C, p.Ala485Pro (NM_001353569.2, NM_001353570.2, NM_001353576.2 and 1 more transcripts); c.1426G>C, p.Ala476Pro (NM_001353571.2, NM_001353578.2); c.1384G>C, p.Ala462Pro (NM_001353573.2); c.1369G>C, p.Ala457Pro (NM_001353574.2); c.895G>C, p.Ala299Pro (NM_001353579.2); and 1 more; short protein forms A457P, A485P, A491P, A510P, A299P, A462P, A476P, A519P.
Identifiers: ClinVar variation 2161414 (VCV002161414.5), dbSNP rs1453004645, ClinGen allele CA387473481.

ClinVar aggregate classification (germline): Uncertain significance. Review status: criteria provided, multiple submitters, no conflicts (2 of 4 stars). 2 submissions from 2 submitters: Uncertain significance (2). Last evaluated 2025-05-14.

Allele frequency attached by ClinVar (database versions not stated): gnomAD 0.00001.
gnomAD v4.1: 4 of 1,518,494 alleles (0.00026%); highest among the groups gnomAD compares: Admixed American, 0.0096%; no homozygotes.

Submissions (2):

Ambry Genetics
Classification: Uncertain significance. Last evaluated: 2025-05-14. Review status: criteria provided, single submitter. Criteria: Ambry Variant Classification Scheme 2023. Collection method: clinical testing. Allele origin: germline.

Labcorp Genetics (formerly Invitae), Labcorp
Classification: Uncertain significance. Last evaluated: 2022-03-13. Review status: criteria provided, single submitter. Criteria: Invitae Variant Classification Sherloc (09022015). Collection method: clinical testing. Allele origin: germline.
Comment: In summary, the available evidence is currently insufficient to determine the role of this variant in disease. Therefore, it has been classified as a Variant of Uncertain Significance. Algorithms developed to predict the effect of missense changes on protein structure and function are either unavailable or do not agree on the potential impact of this missense change (SIFT: "Not Available"; PolyPhen-2: "Probably Damaging"; Align-GVGD: "Not Available"). This variant has not been reported in the literature in individuals affected with IFT88-related conditions. This variant is present in population databases (no rsID available, gnomAD 0.006%). This sequence change replaces alanine, which is neutral and non-polar, with proline, which is neutral and non-polar, at codon 519 of the IFT88 protein (p.Ala519Pro).